The following is an entry in ClinVar:

ClinVar aggregate classification (germline): Benign/Likely benign. Review status: criteria provided, multiple submitters, no conflicts (2 of 4 stars). 23 submissions from 23 submitters: Benign (10); Likely benign (8). 5 of the submissions do not count toward it. Last evaluated 2026-10-01.

Conditions:
BLM-related disorder. Also called: BLM-related condition.
Hereditary cancer-predisposing syndrome. Also called: Neoplastic Syndromes, Hereditary; Tumor predisposition; Hereditary neoplastic syndrome; Hereditary Cancer Syndrome. Identifiers: Orphanet 140162, MedGen C0027672, MeSH D009386, MONDO:0015356.
Bloom syndrome (BLM). Also called: Bloom-Torre-Machacek syndrome. Identifiers: Orphanet 125, MedGen C0005859, MONDO:0008876, OMIM 210900.

Allele frequency attached by ClinVar (database versions not stated): 1000 Genomes Project 0.00140; 1000 Genomes Project 30x 0.00156; ESP Exome Variant Server 0.00308; TOPMed 0.00381; ExAC 0.00382; gnomAD 0.00436; gnomAD exomes 0.00443.
gnomAD v4.1: 7,281 of 1,613,300 alleles (0.45%); highest among the groups gnomAD compares: Middle Eastern, 2.7%; 38 homozygotes.

Submissions (23):

CeGaT Center for Human Genetics Tuebingen
Classification: Likely benign. Last evaluated: 2026-10-01. Review status: criteria provided, single submitter. Criteria: CeGaT Center For Human Genetics Tuebingen Variant Classification Criteria Version 2. Collection method: clinical testing. Allele origin: germline. Affected: yes. Observed: 59 variant alleles.
Comment: BLM: BP4, BS2

Labcorp Genetics (formerly Invitae), Labcorp
Classification: Benign for Bloom syndrome. Last evaluated: 2026-02-04. Review status: criteria provided, single submitter. Criteria: Invitae Variant Classification Sherloc (09022015). Collection method: clinical testing. Allele origin: germline.

Dasa
Classification: Benign. Last evaluated: 2026-01-12. Review status: criteria provided, single submitter. Criteria: DASA Assertion Criteria. Collection method: clinical testing. Allele origin: germline.
Comment: NM_000057.4(BLM):c.4076+4T>G is a splice-region variant. Population frequency is inconsistent with a disease-causing role for this variant, and observations in unaffected individuals support a benign interpretation. Computational prediction algorithms are consistent with a benign effect. Therefore, based on the currently available evidence, this variant is classified as benign.

Myriad Genetics, Inc.
Classification: Likely benign for Bloom syndrome. Last evaluated: 2025-12-12. Review status: criteria provided, single submitter. Criteria: Myriad Autosomal Dominant, Autosomal Recessive and X-Linked Classification Criteria (2023). Collection method: clinical testing. Allele origin: unknown.
Comment: This variant is considered likely benign. This variant has been observed at a population frequency that is significantly greater than expected given the associated disease prevalence and penetrance.

Genomic Medicine Center of Excellence, King Faisal Specialist Hospital and Research Centre
Classification: Likely benign for Bloom syndrome. Last evaluated: 2025-07-30. Review status: criteria provided, single submitter. Criteria: ACMG Guidelines, 2015. Collection method: clinical testing. Allele origin: germline.

ARUP Laboratories, Molecular Genetics and Genomics, ARUP Laboratories
Classification: Benign for Bloom syndrome. Last evaluated: 2025-06-19. Review status: criteria provided, single submitter. Criteria: ARUP Molecular Germline Variant Investigation Process 2024. Collection method: clinical testing. Allele origin: germline.

Quest Diagnostics Nichols Institute San Juan Capistrano
Classification: Benign. Last evaluated: 2025-06-06. Review status: criteria provided, single submitter. Criteria: Quest Diagnostics criteria. Collection method: clinical testing. Allele origin: unknown.

Blueprint Genetics
Classification: Likely benign. Last evaluated: 2024-11-27. Review status: criteria provided, single submitter. Criteria: ACMG Guidelines, 2015. Collection method: clinical testing. Allele origin: germline.

Mayo Clinic Laboratories, Mayo Clinic
Classification: Benign. Last evaluated: 2024-05-02. Review status: criteria provided, single submitter. Criteria: ACMG Guidelines, 2015. Collection method: clinical testing. Allele origin: germline. Observed: 5 variant alleles.
Comment: BS1, BS2, BP4, BP7

Sema4
Classification: Benign for Hereditary cancer-predisposing syndrome. Last evaluated: 2020-07-20. Review status: criteria provided, single submitter. Criteria: Sema4 Curation Guidelines. Collection method: curation. Allele origin: germline.

Genetic Services Laboratory, University of Chicago
Classification: Benign. Last evaluated: 2020-04-28. Review status: criteria provided, single submitter. Criteria: ACMG Guidelines, 2015. Collection method: clinical testing. Allele origin: germline. Affected: no.

Ambry Genetics
Classification: Likely benign for Hereditary cancer-predisposing syndrome. Last evaluated: 2018-09-16. Review status: criteria provided, single submitter. Criteria: Ambry Variant Classification Scheme 2023. Collection method: clinical testing. Allele origin: germline.

GeneKor MSA
Classification: Likely benign for Hereditary cancer-predisposing syndrome. Last evaluated: 2018-08-01. Review status: criteria provided, single submitter. Criteria: ACMG Guidelines, 2015. Collection method: clinical testing. Allele origin: germline.

Mendelics
Classification: Likely benign for Bloom syndrome. Last evaluated: 2018-07-02. Review status: criteria provided, single submitter. Criteria: Mendelics Assertion Criteria 2017. Collection method: clinical testing. Allele origin: unknown.

Illumina Laboratory Services, Illumina
Classification: Likely benign for Bloom syndrome. Last evaluated: 2018-01-13. Review status: criteria provided, single submitter. Criteria: ICSL Variant Classification Criteria 13 December 2019. Collection method: clinical testing. Allele origin: germline.
Comment: This variant was observed in the ICSL laboratory as part of a predisposition screen in an ostensibly healthy population. It had not been previously curated by ICSL or reported in the Human Gene Mutation Database (HGMD: prior to June 1st, 2018), and was therefore a candidate for classification through an automated scoring system. Utilizing variant allele frequency, disease prevalence and penetrance estimates, and inheritance mode, an automated score was calculated to assess if this variant is too frequent to cause the disease. Based on the score and internal cut-off values, a variant classified as likely benign is not then subjected to further curation. The score for this variant resulted in a classification of likely benign for this disease.

Women's Health and Genetics/Laboratory Corporation of America, LabCorp
Classification: Benign. Last evaluated: 2016-06-12. Review status: criteria provided, single submitter. Criteria: LabCorp Variant Classification Summary - May 2015. Collection method: clinical testing. Allele origin: germline.
Comment: Variant summary: The c.4076+4T>G in a BLM gene is an intronic variant that alters a non-conserved nucleotide. 5/5 in silico tools via Alamut predict this variant to not affect normal splicing, however these predictions have yet to be confirmed by functional assay. The variant is present in control dataset of ExAC at a frequency of 0.0038 (458/119942 chrs tested, including 3 homozygous occurrences) which exceeds the estimated maximum allele frequency for a pathogenic allele in this gene (0.0035), suggesting that this variant is a likely polymorphism. The variant has been reported in affected with breast cancer in literature (Thompson_2012) without strong evidence of causality. Multiple clinical laboratories have classified the variant as "Benign. Taken together, the variant is classified as Benign.

Eurofins Ntd Llc (ga)
Classification: Benign. Last evaluated: 2016-06-09. Review status: criteria provided, single submitter. Criteria: EGL Classification Definitions 2015. Collection method: clinical testing. Allele origin: germline. Observed: 3 variant alleles, 3 heterozygotes.

GeneDx
Classification: Benign. Last evaluated: 2013-10-24. Review status: criteria provided, single submitter. Criteria: GeneDx Variant Classification (06012015). Collection method: clinical testing. Allele origin: germline. Affected: yes.
Comment: This variant is considered likely benign or benign based on one or more of the following criteria: it is a conservative change, it occurs at a poorly conserved position in the protein, it is predicted to be benign by multiple in silico algorithms, and/or has population frequency not consistent with disease.

PreventionGenetics, part of Exact Sciences
Classification: Benign for BLM-related condition. Last evaluated: 2020-06-05. Review status: no assertion criteria provided. Collection method: clinical testing. Allele origin: germline. Not counted in ClinVar's aggregate classification.
Comment: This variant is classified as benign based on ACMG/AMP sequence variant interpretation guidelines (Richards et al. 2015 PMID: 25741868, with internal and published modifications).

Natera, Inc.
Classification: Benign for Bloom syndrome. Last evaluated: 2018-04-02. Review status: no assertion criteria provided. Collection method: clinical testing. Allele origin: germline. Not counted in ClinVar's aggregate classification.

Clinical Genetics DNA and cytogenetics Diagnostics Lab, Erasmus MC, Erasmus Medical Center
Classification: Likely benign. Review status: no assertion criteria provided. Collection method: clinical testing. Allele origin: germline. Affected: yes. Study: VKGL Data-share Consensus. Not counted in ClinVar's aggregate classification.

Genome Diagnostics Laboratory, Amsterdam University Medical Center
Classification: Likely benign. Review status: no assertion criteria provided. Collection method: clinical testing. Allele origin: germline. Affected: yes. Study: VKGL Data-share Consensus. Not counted in ClinVar's aggregate classification.

Genome Diagnostics Laboratory, University Medical Center Utrecht
Classification: Likely benign. Review status: no assertion criteria provided. Collection method: clinical testing. Allele origin: germline. Affected: yes. Study: VKGL Data-share Consensus. Not counted in ClinVar's aggregate classification.

Literature cited by the submitters: PubMed 23028338 (cited by Quest Diagnostics Nichols Institute San Juan Capistrano and Women's Health and Genetics/Laboratory Corporation of America, LabCorp); PubMed 29484706 (cited by Quest Diagnostics Nichols Institute San Juan Capistrano); PubMed 31159747 (cited by Quest Diagnostics Nichols Institute San Juan Capistrano).

NM_000057.4(BLM):c.4076+4T>G

Gene: BLM (BLM RecQ like helicase; plus strand). Cytogenetic location: 15q26.1.
Variant type: single nucleotide variant.
Coding change: c.4076+4T>G on transcript NM_000057.4 (MANE Select); 4 bases into the intron after coding-DNA position 4076, T replaced by G.
Molecular consequence: intron variant.
Genome position (GRCh38, 1-based): chr15:90,811,410, T>G. VCF-style: chr15-90811410-T-G. GRCh37 (hg19) VCF-style: chr15-91354640-T-G.
Other names: p.?; c.4076+4T>G (NM_001287246.2); c.2951+4T>G (NM_001287248.2); c.3683+4T>G (NM_001287247.2).
Identifiers: ClinVar variation 136520 (VCV000136520.85), dbSNP rs183176301, ClinGen allele CA206674.